The following is an entry in ClinVar:

ClinVar aggregate classification (germline): Uncertain significance (1 of 4 stars; one submission).

Conditions:
Familial cancer of breast. Also called: hereditary breast carcinoma; BREAST CANCER, FAMILIAL; Hereditary breast cancer. Identifiers: Orphanet 227535, MedGen C0346153, MONDO:0016419, OMIM 114480. Disease mechanism: loss of function.

Submission:

Labcorp Genetics (formerly Invitae), Labcorp
Classification: Uncertain significance for Familial cancer of breast. Last evaluated: 2024-05-21. Review status: criteria provided, single submitter. Criteria: Invitae Variant Classification Sherloc (09022015). Collection method: clinical testing. Allele origin: germline.
Comment: This sequence change replaces serine, which is neutral and polar, with asparagine, which is neutral and polar, at codon 40 of the CHEK2 protein (p.Ser40Asn). This variant is not present in population databases (gnomAD no frequency). This variant has not been reported in the literature in individuals affected with CHEK2-related conditions. An algorithm developed to predict the effect of missense changes on protein structure and function (PolyPhen-2) suggests that this variant is likely to be tolerated. In summary, the available evidence is currently insufficient to determine the role of this variant in disease. Therefore, it has been classified as a Variant of Uncertain Significance.

NM_007194.4(CHEK2):c.119G>A (p.Ser40Asn)

Gene: CHEK2 (checkpoint kinase 2; minus strand). Cytogenetic location: 22q12.1.
Variant type: single nucleotide variant.
Coding change: c.119G>A on transcript NM_007194.4 (MANE Select); coding-DNA position 119, G replaced by A.
Protein change: p.Ser40Asn; replaces serine 40 with asparagine.
Molecular consequence: missense variant.
Genome position (GRCh38, 1-based): chr22:28,734,603, C>T on the plus strand (G>A on the coding strand, the complement: CHEK2 is on the minus strand). VCF-style: chr22-28734603-C-T. GRCh37 (hg19) VCF-style: chr22-29130591-C-T.
Other names: c.119G>A, p.Ser40Asn (NM_001005735.3, NM_001349956.3, NM_145862.3); c.-659G>A (NM_001257387.3); short protein forms S40N.
Identifiers: ClinVar variation 3654041 (VCV003654041.2).